The following is an entry in ClinVar:

NM_000202.8(IDS):c.353_369del (p.Thr118fs)

Gene: IDS (iduronate 2-sulfatase; minus strand). Cytogenetic location: Xq28.
Variant type: Deletion.
Coding change: c.353_369del on transcript NM_000202.8 (MANE Select); coding-DNA positions 353 to 369, 17 bases deleted (CCATCCCCCAGTACTTC).
Protein change: p.Thr118fs; shifts the reading frame from threonine 118.
Molecular consequence: frameshift variant. On other transcripts: non-coding transcript variant (1).
Genome position (GRCh38, 1-based): chrX:149,503,361-149,503,377, GAAGTACTGGGGGATGG deleted on the plus strand (CCATCCCCCAGTACTTC on the coding strand, the reverse complement: IDS is on the minus strand). VCF-style (leftmost placement, unchanged base first): chrX-149503360-TGAAGTACTGGGGGATGG-T. GRCh37 (hg19) VCF-style: chrX-148584890-TGAAGTACTGGGGGATGG-T.
Other names: c.83_99del, p.Thr28fs (NM_001166550.4); c.353_369del, p.Thr118fs (NM_006123.5); short protein forms T118fs, T28fs.
Identifiers: ClinVar variation 3255684 (VCV003255684.2).

ClinVar aggregate classification (germline): Pathogenic (1 of 4 stars; one submission).

Conditions:
Mucopolysaccharidosis, MPS-II (MPS2). Also called: Hunter Syndrome; IDURONATE 2-SULFATASE DEFICIENCY; Mucopolysaccharidosis Type II; Mucopolysaccharidosis type 2; Attenuated MPS (subtype; formerly known as mild MPS II); Severe MPS II. Identifiers: Orphanet 580, Orphanet 79388, MedGen C0026705, MONDO:0010674, OMIM 309900.

Submission:

Laboratory of Diagnosis and Therapy of Lysosomal Disorders, University of Padova
Classification: Pathogenic for Mucopolysaccharidosis, MPS-II. Last evaluated: 2024-06-07. Review status: criteria provided, single submitter. Criteria: ACMG Guidelines, 2015. Collection method: literature only. Allele origin: germline. Affected: yes. Observed: 2 variant alleles.
Comment: Null variant (PVS1_VeryStrong), Absent from controls (or at low frequency) in gnomAD database (PM2_Moderate), Patient’s phenotype or family history highly specific for the disease (PP4_Strong)

Classification method: ACMG Guidelines [PMID:25741868] with modifications

Literature cited by the submitters: PubMed 34813777; PubMed 30639582.